The following is an entry in ClinVar:

NM_018127.7(ELAC2):c.871-10G>A

Gene: ELAC2 (elaC ribonuclease Z 2; minus strand). Cytogenetic location: 17p12.
Variant type: single nucleotide variant.
Coding change: c.871-10G>A on transcript NM_018127.7 (MANE Select); 10 bases into the intron before coding-DNA position 871, G replaced by A.
Molecular consequence: intron variant.
Genome position (GRCh38, 1-based): chr17:13,005,111, C>T on the plus strand (G>A on the coding strand, the complement: ELAC2 is on the minus strand). VCF-style: chr17-13005111-C-T. GRCh37 (hg19) VCF-style: chr17-12908428-C-T.
Other names: c.751-10G>A (NM_001165962.2); c.871-10G>A (NM_173717.2).
Identifiers: ClinVar variation 1978309 (VCV001978309.2), dbSNP rs1567758743, ClinGen allele CA624930294.

ClinVar aggregate classification (germline): Uncertain significance (1 of 4 stars; one submission).

Conditions:
Combined oxidative phosphorylation defect type 17. Also called: Combined oxidative phosphorylation deficiency 17. Identifiers: Orphanet 369913, MedGen C3809526, MONDO:0014190, OMIM 615440.

Submission:

Labcorp Genetics (formerly Invitae), Labcorp
Classification: Uncertain significance for Combined oxidative phosphorylation defect type 17. Last evaluated: 2022-03-14. Review status: criteria provided, single submitter. Criteria: Invitae Variant Classification Sherloc (09022015). Collection method: clinical testing. Allele origin: germline.
Comment: In summary, the available evidence is currently insufficient to determine the role of this variant in disease. Therefore, it has been classified as a Variant of Uncertain Significance. Algorithms developed to predict the effect of sequence changes on RNA splicing suggest that this variant may disrupt the consensus splice site. This variant has not been reported in the literature in individuals affected with ELAC2-related conditions. This variant is present in population databases (no rsID available, gnomAD 0.0009%). This sequence change falls in intron 10 of the ELAC2 gene. It does not directly change the encoded amino acid sequence of the ELAC2 protein.